The following is an entry in ClinVar:

ClinVar aggregate classification (germline): Uncertain significance (1 of 4 stars; one submission).

Conditions:
Hereditary cancer-predisposing syndrome. Also called: Tumor predisposition; Neoplastic Syndromes, Hereditary; Hereditary Cancer Syndrome; Hereditary neoplastic syndrome. Identifiers: Orphanet 140162, MedGen C0027672, MeSH D009386, MONDO:0015356.

Submission:

Ambry Genetics
Classification: Uncertain significance for Hereditary cancer-predisposing syndrome. Last evaluated: 2024-10-25. Review status: criteria provided, single submitter. Criteria: Ambry Variant Classification Scheme 2023. Collection method: clinical testing. Allele origin: germline.
Comment: The p.A538G variant (also known as c.1613C>G), located in coding exon 6 of the BLM gene, results from a C to G substitution at nucleotide position 1613. The alanine at codon 538 is replaced by glycine, an amino acid with similar properties. This amino acid position is conserved. In addition, this alteration is predicted to be tolerated by in silico analysis. Based on the available evidence, the clinical significance of this variant remains unclear.

NM_000057.4(BLM):c.1613C>G (p.Ala538Gly)

Gene: BLM (BLM RecQ like helicase; plus strand). Cytogenetic location: 15q26.1.
Variant type: single nucleotide variant.
Coding change: c.1613C>G on transcript NM_000057.4 (MANE Select); coding-DNA position 1613, C replaced by G.
Protein change: p.Ala538Gly; replaces alanine 538 with glycine.
Molecular consequence: missense variant.
Genome position (GRCh38, 1-based): chr15:90,760,986, C>G. VCF-style: chr15-90760986-C-G. GRCh37 (hg19) VCF-style: chr15-91304216-C-G.
Other names: c.1613C>G, p.Ala538Gly (NM_001287246.2, NM_001287247.2); c.488C>G, p.Ala163Gly (NM_001287248.2); short protein forms A163G, A538G.
Identifiers: ClinVar variation 3480886 (VCV003480886.1).
Genomic context (GRCh38, chr15:90,760,986, plus strand): 5'-CTTATTTCCCAGGAAATGTTCTCACAAGCACTGCTGTGAAAGATCAGAATAAACATACTG[C>G]TTCAATAAATGACTTAGAAAGAGAAACCCAACCTTCCTATGATATTGATAATTTTGACAT-3'
Protein context (NP_000048.1, residues 528-548): TAVKDQNKHT[Ala538Gly]SINDLERETQ